The following is an entry in ClinVar:

ClinVar aggregate classification (germline): Uncertain significance. Review status: criteria provided, multiple submitters, no conflicts (2 of 4 stars). 2 submissions from 2 submitters: Uncertain significance (2). Last evaluated 2025-12-16.

Conditions:
Primary ciliary dyskinesia. Also called: Ciliary dyskinesia. Identifiers: Orphanet 244, MedGen C0008780, MONDO:0016575, HP:0012265.

Allele frequency attached by ClinVar (database versions not stated): ExAC 0.00001; gnomAD 0.00001; gnomAD exomes 0.00001; TOPMed 0.00001; ESP Exome Variant Server 0.00008.
gnomAD v4.1: 14 of 1,613,998 alleles (0.00087%); highest among the groups gnomAD compares: Middle Eastern, 0.016%; no homozygotes.

Submissions (2):

Ambry Genetics
Classification: Uncertain significance for Primary ciliary dyskinesia. Last evaluated: 2025-12-16. Review status: criteria provided, single submitter. Criteria: Ambry Variant Classification Scheme 2023. Collection method: clinical testing. Allele origin: germline.

Labcorp Genetics (formerly Invitae), Labcorp
Classification: Uncertain significance for Primary ciliary dyskinesia. Last evaluated: 2022-06-18. Review status: criteria provided, single submitter. Criteria: Invitae Variant Classification Sherloc (09022015). Collection method: clinical testing. Allele origin: germline.
Comment: This sequence change replaces proline, which is neutral and non-polar, with leucine, which is neutral and non-polar, at codon 2709 of the DNAH5 protein (p.Pro2709Leu). This variant is present in population databases (rs377639334, gnomAD 0.0009%). This variant has not been reported in the literature in individuals affected with DNAH5-related conditions. Algorithms developed to predict the effect of missense changes on protein structure and function (SIFT, PolyPhen-2, Align-GVGD) all suggest that this variant is likely to be disruptive. In summary, the available evidence is currently insufficient to determine the role of this variant in disease. Therefore, it has been classified as a Variant of Uncertain Significance.

NM_001369.3(DNAH5):c.8126C>T (p.Pro2709Leu)

Gene: DNAH5 (dynein axonemal heavy chain 5; minus strand). Cytogenetic location: 5p15.2.
Variant type: single nucleotide variant.
Coding change: c.8126C>T on transcript NM_001369.3 (MANE Select); coding-DNA position 8126, C replaced by T.
Protein change: p.Pro2709Leu; replaces proline 2709 with leucine.
Molecular consequence: missense variant.
Genome position (GRCh38, 1-based): chr5:13,793,613, G>A on the plus strand (C>T on the coding strand, the complement: DNAH5 is on the minus strand). VCF-style: chr5-13793613-G-A. GRCh37 (hg19) VCF-style: chr5-13793722-G-A.
Other names: c.8126C>T (NM_001369.2); short protein forms P2709L.
Identifiers: ClinVar variation 2142073 (VCV002142073.2), dbSNP rs377639334, ClinGen allele CA3202892.
Genomic context (GRCh38, chr5:13,793,613, plus strand): 5'-CAATTAAATATAGAGAACTGCCTCTTGAGTCTTTGGGGTATGTCATTGCGTCCACCACCA[G>A]GATGGATCATGGCTGCCAAAAACTGGATGTCCACGATGCTGGTGAACTCCCCAGGCTTCT-3'
Protein context (NP_001360.1, residues 2699-2719): DIQFLAAMIH[Pro2709Leu]GGGRNDIPQR